The following is an entry in ClinVar:

NM_144670.6(A2ML1):c.4152+33C>T

Gene: A2ML1 (alpha-2-macroglobulin like 1; plus strand). Cytogenetic location: 12p13.31.
Variant type: single nucleotide variant.
Coding change: c.4152+33C>T on transcript NM_144670.6 (MANE Select); 33 bases into the intron after coding-DNA position 4152, C replaced by T.
Molecular consequence: intron variant.
Genome position (GRCh38, 1-based): chr12:8,868,660, C>T. VCF-style: chr12-8868660-C-T. GRCh37 (hg19) VCF-style: chr12-9021256-C-T.
Other names: c.2679+33C>T (NM_001282424.3).
Identifiers: ClinVar variation 561565 (VCV000561565.2), dbSNP rs12816475, ClinGen allele CA6436605.

ClinVar aggregate classification (germline): Benign. Review status: criteria provided, multiple submitters, no conflicts (2 of 4 stars). 2 submissions from 2 submitters: Benign (2). Last evaluated 2018-06-16.

Allele frequency attached by ClinVar (database versions not stated): 1000 Genomes Project 0.40455; 1000 Genomes Project 30x 0.40740; gnomAD exomes 0.40809 and 0.43369; ExAC 0.41267; TOPMed 0.42295; gnomAD 0.42638 and 0.42914; ESP Exome Variant Server 0.44466.
gnomAD v4.1: 689,929 of 1,593,436 alleles (43%); highest among the groups gnomAD compares: Middle Eastern, 49%; 152,410 homozygotes.

Submissions (2):

GeneDx
Classification: Benign. Last evaluated: 2018-06-16. Review status: criteria provided, single submitter. Criteria: GeneDx Variant Classification (06012015). Collection method: clinical testing. Allele origin: germline. Affected: yes.
Comment: This variant is considered likely benign or benign based on one or more of the following criteria: it is a conservative change, it occurs at a poorly conserved position in the protein, it is predicted to be benign by multiple in silico algorithms, and/or has population frequency not consistent with disease.

Breakthrough Genomics
Classification: Benign. Review status: criteria provided, single submitter. Criteria: ACMG Guidelines, 2015. Collection method: not provided. Allele origin: germline. Inheritance: Autosomal dominant inheritance. Affected: yes.